The following is an entry in ClinVar:

NM_001384317.1(ZHX3):c.246C>T (p.Cys82=)

Gene: ZHX3 (zinc fingers and homeoboxes 3; minus strand). Cytogenetic location: 20q12.
Variant type: single nucleotide variant.
Coding change: c.246C>T on transcript NM_001384317.1 (MANE Select); coding-DNA position 246, C replaced by T.
Protein change: p.Cys82=; no amino-acid change (cysteine 82 retained).
Molecular consequence: synonymous variant.
Genome position (GRCh38, 1-based): chr20:41,204,671, G>A on the plus strand (C>T on the coding strand, the complement: ZHX3 is on the minus strand). VCF-style: chr20-41204671-G-A. GRCh37 (hg19) VCF-style: chr20-39833311-G-A.
Other names: c.246C>T, p.Cys82= (NM_001384315.1, NM_001384316.1, NM_001384318.1 and 8 more transcripts); c.246C>T (NM_015035.3).
Identifiers: ClinVar variation 2056082 (VCV002056082.6), dbSNP rs139505605, ClinGen allele CA9860142.

ClinVar aggregate classification (germline): Benign. Review status: criteria provided, single submitter (1 of 4 stars). 2 submissions from 2 submitters: Benign (1). 1 of the submissions does not count toward it. Last evaluated 2025-12-08.

Conditions:
ZHX3-related disorder. Also called: ZHX3-related condition.

Allele frequency attached by ClinVar (database versions not stated): ESP Exome Variant Server 0.00023; gnomAD exomes 0.00030; gnomAD 0.00034; TOPMed 0.00066; ExAC 0.00107; 1000 Genomes Project 30x 0.00109; 1000 Genomes Project 0.00120.
gnomAD v4.1: 484 of 1,614,206 alleles (0.03%); highest among the groups gnomAD compares: East Asian, 0.74%; 5 homozygotes.

Submissions (2):

Labcorp Genetics (formerly Invitae), Labcorp
Classification: Benign. Last evaluated: 2025-12-08. Review status: criteria provided, single submitter. Criteria: Invitae Variant Classification Sherloc (09022015). Collection method: clinical testing. Allele origin: germline.

PreventionGenetics, part of Exact Sciences
Classification: Benign for ZHX3-related condition. Last evaluated: 2019-10-28. Review status: no assertion criteria provided. Collection method: clinical testing. Allele origin: germline. Not counted in ClinVar's aggregate classification.
Comment: This variant is classified as benign based on ACMG/AMP sequence variant interpretation guidelines (Richards et al. 2015 PMID: 25741868, with internal and published modifications).